The following is an entry in ClinVar:

ClinVar aggregate classification (germline): Uncertain significance (1 of 4 stars; one submission).

Allele frequency attached by ClinVar (database versions not stated): gnomAD 0.00001; TOPMed 0.00002.
gnomAD v4.1: 12 of 1,550,798 alleles (0.00077%); highest among the groups gnomAD compares: Admixed American, 0.0059%; no homozygotes.

Submission:

GeneDx
Classification: Uncertain significance. Last evaluated: 2022-05-10. Review status: criteria provided, single submitter. Criteria: GeneDx Variant Classification Process June 2021. Collection method: clinical testing. Allele origin: germline. Affected: yes.
Comment: In silico analysis supports that this missense variant does not alter protein structure/function; Has not been previously published as pathogenic or benign to our knowledge

NM_001145026.2(PTPRQ):c.3572C>A (p.Pro1191Gln)

Gene: PTPRQ (protein tyrosine phosphatase receptor type Q; plus strand). Cytogenetic location: 12q21.31.
Variant type: single nucleotide variant.
Coding change: c.3572C>A on transcript NM_001145026.2 (MANE Select); coding-DNA position 3572, C replaced by A.
Protein change: p.Pro1191Gln; replaces proline 1191 with glutamine.
Molecular consequence: missense variant.
Genome position (GRCh38, 1-based): chr12:80,542,215, C>A. VCF-style: chr12-80542215-C-A. GRCh37 (hg19) VCF-style: chr12-80935994-C-A.
Other names: short protein forms P1191Q.
Identifiers: ClinVar variation 1723823 (VCV001723823.2), dbSNP rs1038286147, ClinGen allele CA240256501.
Genomic context (GRCh38, chr12:80,542,215, plus strand): 5'-GGGATCCCCCAGTAAAGCCAAATGGTGCAATAATAAGTTATGATTTAACTTTACAAGGAC[C>A]AAATGAAAATTATTCTTTCATTACTTCTGATAATTACATAATATTGGAAGAGCTTTCACC-3'
Protein context (NP_001138498.1, residues 1181-1201): IISYDLTLQG[Pro1191Gln]NENYSFITSD